The following is an entry in ClinVar:

ClinVar aggregate classification (germline): Uncertain significance (1 of 4 stars; one submission).

Conditions:
Multiple congenital anomalies-hypotonia-seizures syndrome 1 (MCAHS1). Also called: PIGN-CDG; Congenital disorder of glycosylation due to PIGN deficiency; GLYCOSYLPHOSPHATIDYLINOSITOL BIOSYNTHESIS DEFECT 3. Identifiers: Orphanet 280633, MedGen C3279775, MONDO:0013563, OMIM 614080.

Submission:

Labcorp Genetics (formerly Invitae), Labcorp
Classification: Uncertain significance for Multiple congenital anomalies-hypotonia-seizures syndrome 1. Last evaluated: 2022-07-06. Review status: criteria provided, single submitter. Criteria: Invitae Variant Classification Sherloc (09022015). Collection method: clinical testing. Allele origin: germline.
Comment: This sequence change replaces isoleucine, which is neutral and non-polar, with valine, which is neutral and non-polar, at codon 462 of the PIGN protein (p.Ile462Val). This variant is not present in population databases (gnomAD no frequency). This variant has not been reported in the literature in individuals affected with PIGN-related conditions. Algorithms developed to predict the effect of missense changes on protein structure and function output the following: SIFT: "Not Available"; PolyPhen-2: "Benign"; Align-GVGD: "Not Available". The valine amino acid residue is found in multiple mammalian species, which suggests that this missense change does not adversely affect protein function. In summary, the available evidence is currently insufficient to determine the role of this variant in disease. Therefore, it has been classified as a Variant of Uncertain Significance.

NM_176787.5(PIGN):c.1384A>G (p.Ile462Val)

Gene: PIGN (phosphatidylinositol glycan anchor biosynthesis class N; minus strand). Cytogenetic location: 18q21.33.
Variant type: single nucleotide variant.
Coding change: c.1384A>G on transcript NM_176787.5 (MANE Select); coding-DNA position 1384, A replaced by G.
Protein change: p.Ile462Val; replaces isoleucine 462 with valine.
Molecular consequence: missense variant.
Genome position (GRCh38, 1-based): chr18:62,113,184, T>C on the plus strand (A>G on the coding strand, the complement: PIGN is on the minus strand). VCF-style: chr18-62113184-T-C. GRCh37 (hg19) VCF-style: chr18-59780417-T-C.
Other names: c.1384A>G, p.Ile462Val (NM_012327.6); short protein forms I462V.
Identifiers: ClinVar variation 1958741 (VCV001958741.2), dbSNP rs563332220, ClinGen allele CA301711314.